The following is an entry in ClinVar:

ClinVar aggregate classification (germline): Pathogenic. Review status: criteria provided, single submitter (1 of 4 stars). 2 submissions from 2 submitters: Pathogenic (1). 1 of the submissions does not count toward it. Last evaluated 2024-03-02.

Conditions:
Niemann-Pick disease, type C1. Also called: NEUROVISCERAL STORAGE DISEASE WITH VERTICAL SUPRANUCLEAR OPHTHALMOPLEGIA; NIEMANN-PICK DISEASE WITH CHOLESTEROL ESTERIFICATION BLOCK; NIEMANN-PICK DISEASE WITHOUT SPHINGOMYELINASE DEFICIENCY; NIEMANN-PICK DISEASE, CHRONIC NEURONOPATHIC FORM; NIEMANN-PICK DISEASE, VARIANT TYPE C1. Identifiers: Orphanet 646, MedGen C3179455, MONDO:0009757, OMIM 257220.

Allele frequency attached by ClinVar (database versions not stated): TOPMed below 0.00001; gnomAD 0.00001.

Submissions (2):

Labcorp Genetics (formerly Invitae), Labcorp
Classification: Pathogenic for Niemann-Pick disease, type C1. Last evaluated: 2024-03-02. Review status: criteria provided, single submitter. Criteria: Invitae Variant Classification Sherloc (09022015). Collection method: clinical testing. Allele origin: germline.
Comment: This sequence change creates a premature translational stop signal (p.Val1104Cysfs*17) in the NPC1 gene. It is expected to result in an absent or disrupted protein product. Loss-of-function variants in NPC1 are known to be pathogenic (PMID: 9211850). This variant is present in population databases (no rsID available, gnomAD 0.01%). This variant has not been reported in the literature in individuals affected with NPC1-related conditions. ClinVar contains an entry for this variant (Variation ID: 371340). For these reasons, this variant has been classified as Pathogenic.

Counsyl
Classification: Likely pathogenic for Niemann-Pick disease, type C1. Last evaluated: 2016-08-30. Review status: no assertion criteria provided. Collection method: clinical testing. Allele origin: unknown. Not counted in ClinVar's aggregate classification.

Literature cited by the submitters: PubMed 9211850 (cited by Labcorp Genetics (formerly Invitae), Labcorp).

NM_000271.5(NPC1):c.3309dup (p.Val1104fs)

Gene: NPC1 (NPC intracellular cholesterol transporter 1; minus strand). Cytogenetic location: 18q11.2.
Variant type: Duplication.
Coding change: c.3309dup on transcript NM_000271.5 (MANE Select); coding-DNA position 3309, one base duplicated (T; older notation c.3309dupT).
Protein change: p.Val1104fs; shifts the reading frame from valine 1104.
Molecular consequence: frameshift variant.
Genome position (GRCh38, 1-based): chr18:23,535,637, A duplicated on the plus strand (T on the coding strand, the reverse complement: NPC1 is on the minus strand). VCF-style (leftmost placement, unchanged base first): chr18-23535636-C-CA. GRCh37 (hg19) VCF-style: chr18-21115600-C-CA.
Other names: short protein forms V1104fs.
Identifiers: ClinVar variation 371340 (VCV000371340.10), dbSNP rs1057517194, ClinGen allele CA16041911.